The following is an entry in ClinVar:

ClinVar aggregate classification (germline): Benign. Review status: criteria provided, multiple submitters, no conflicts (2 of 4 stars). 2 submissions from 2 submitters: Benign (2). Last evaluated 2018-01-13.

Conditions:
Congenital myasthenic syndrome 12 (CMS12). Also called: MYASTHENIC SYNDROME, CONGENITAL, WITH TUBULAR AGGREGATES 1; Myasthenia, congenital, 12, with tubular aggregates. Identifiers: Orphanet 353327, Orphanet 590, MedGen C3552335, MONDO:0012518, OMIM 610542.

Allele frequency attached by ClinVar (database versions not stated): 1000 Genomes Project 0.65535; 1000 Genomes Project 30x 0.66193; gnomAD 0.66555; TOPMed 0.66588; gnomAD exomes 0.66667.
gnomAD v4.1: 100,056 of 152,056 alleles (66%); highest among the groups gnomAD compares: African/African-American, 87%; 34,361 homozygotes.

Submissions (2):

Illumina Laboratory Services, Illumina
Classification: Benign for Congenital myasthenic syndrome 12. Last evaluated: 2018-01-13. Review status: criteria provided, single submitter. Criteria: ICSL Variant Classification Criteria 13 December 2019. Collection method: clinical testing. Allele origin: germline.
Comment: This variant was observed in the ICSL laboratory as part of a predisposition screen in an ostensibly healthy population. It had not been previously curated by ICSL or reported in the Human Gene Mutation Database (HGMD: prior to June 1st, 2018), and was therefore a candidate for classification through an automated scoring system. Utilizing variant allele frequency, disease prevalence and penetrance estimates, and inheritance mode, an automated score was calculated to assess if this variant is too frequent to cause the disease. Based on the score and internal cut-off values, a variant classified as benign is not then subjected to further curation. The score for this variant resulted in a classification of benign for this disease.

Breakthrough Genomics
Classification: Benign. Review status: criteria provided, single submitter. Criteria: ACMG Guidelines, 2015. Collection method: not provided. Allele origin: germline. Inheritance: Autosomal recessive inheritance. Affected: yes.

NM_001244710.2(GFPT1):c.*6085C>G

Gene: GFPT1 (glutamine--fructose-6-phosphate transaminase 1; minus strand). Cytogenetic location: 2p13.3.
Variant type: single nucleotide variant.
Coding change: c.*6085C>G on transcript NM_001244710.2 (MANE Select); 6085 bases downstream of the stop codon, C replaced by G.
Molecular consequence: 3 prime UTR variant.
Genome position (GRCh38, 1-based): chr2:69,320,104, G>C on the plus strand (C>G on the coding strand, the complement: GFPT1 is on the minus strand). VCF-style: chr2-69320104-G-C. GRCh37 (hg19) VCF-style: chr2-69547236-G-C.
Other names: c.*6085C>G (NM_002056.4).
Identifiers: ClinVar variation 336784 (VCV000336784.6), dbSNP rs7642, ClinGen allele CA10615711.